The following is an entry in ClinVar:

NM_001369.3(DNAH5):c.6482_6483del (p.Val2161fs)

Gene: DNAH5 (dynein axonemal heavy chain 5; minus strand). Cytogenetic location: 5p15.2.
Variant type: Deletion.
Coding change: c.6482_6483del on transcript NM_001369.3 (MANE Select); coding-DNA positions 6482 to 6483, 2 bases deleted (TT; older notation c.6482_6483delTT).
Protein change: p.Val2161fs; shifts the reading frame from valine 2161.
Molecular consequence: frameshift variant.
Genome position (GRCh38, 1-based): chr5:13,824,295-13,824,296, AA deleted on the plus strand (TT on the coding strand, the reverse complement: DNAH5 is on the minus strand). VCF-style (leftmost placement, unchanged base first): chr5-13824294-GAA-G. GRCh37 (hg19) VCF-style: chr5-13824403-GAA-G.
Other names: short protein forms V2161fs.
Identifiers: ClinVar variation 1726408 (VCV001726408.2), dbSNP rs2546858325, ClinGen allele CA2580072185.

ClinVar aggregate classification (germline): Likely pathogenic (1 of 4 stars; one submission).

Conditions:
Primary ciliary dyskinesia 3. Identifiers: Orphanet 244, MedGen C1837618, MONDO:0012085, OMIM 608644.

Submission:

Myriad Genetics, Inc.
Classification: Likely pathogenic for Primary ciliary dyskinesia 3. Last evaluated: 2021-12-17. Review status: criteria provided, single submitter. Criteria: Myriad Women's Health Autosomal Recessive and X-Linked Classification Criteria (2021). Collection method: clinical testing. Allele origin: unknown.
Comment: NM_001369.2(DNAH5):c.6482_6483delTT(V2161Afs*31) is expected to be pathogenic in the context of DNAH5-related primary ciliary dyskinesia. This variant is predicted to lead to an abnormal or absent protein product due to the creation of a premature termination codon in DNAH5, a gene where loss-of-function variants are known to be pathogenic. Please note: this variant was assessed in the context of healthy population screening.